The following is an entry in ClinVar:

ClinVar aggregate classification (germline): Uncertain significance (1 of 4 stars; one submission).

Allele frequency attached by ClinVar (database versions not stated): TOPMed below 0.00001; gnomAD 0.00001; gnomAD exomes 0.00001; ExAC 0.00002.

Submission:

GeneDx
Classification: Uncertain significance. Last evaluated: 2023-03-08. Review status: criteria provided, single submitter. Criteria: GeneDx Variant Classification Process June 2021. Collection method: clinical testing. Allele origin: germline. Affected: yes.
Comment: Not observed at significant frequency in large population cohorts (gnomAD); In silico analysis supports that this missense variant does not alter protein structure/function; Has not been previously published as pathogenic or benign to our knowledge

NM_022356.4(P3H1):c.64G>A (p.Ala22Thr)

Gene: P3H1 (prolyl 3-hydroxylase 1; minus strand). Cytogenetic location: 1p34.2.
Variant type: single nucleotide variant.
Coding change: c.64G>A on transcript NM_022356.4 (MANE Select); coding-DNA position 64, G replaced by A.
Protein change: p.Ala22Thr; replaces alanine 22 with threonine.
Molecular consequence: missense variant.
Genome position (GRCh38, 1-based): chr1:42,766,908, C>T on the plus strand (G>A on the coding strand, the complement: P3H1 is on the minus strand). VCF-style: chr1-42766908-C-T. GRCh37 (hg19) VCF-style: chr1-43232579-C-T.
Other names: c.64G>A, p.Ala22Thr (NM_001146289.2, NM_001243246.2); short protein forms A22T.
Identifiers: ClinVar variation 2579399 (VCV002579399.1), dbSNP rs768494909, ClinGen allele CA802240.